The following is an entry in ClinVar:

ClinVar aggregate classification (germline): Likely benign. Review status: criteria provided, multiple submitters, no conflicts (2 of 4 stars). 7 submissions from 7 submitters: Likely benign (7). Last evaluated 2026-02-04.

Conditions:
TTN-related disorder. Also called: TTN-related disorders; TTN-related condition; TTN-related disease.
Dilated cardiomyopathy 1G (CMD1G). Identifiers: Orphanet 154, MedGen C1858763, MONDO:0011400, OMIM 604145.
Autosomal recessive limb-girdle muscular dystrophy type 2J (LGMDR10). Also called: Limb-girdle muscular dystrophy, type 2J; MUSCULAR DYSTROPHY, LIMB-GIRDLE, AUTOSOMAL RECESSIVE 10. Identifiers: Orphanet 140922, MedGen C1837342, MONDO:0012127, OMIM 608807.

Allele frequency attached by ClinVar (database versions not stated): gnomAD exomes 0.00005 and 0.00009; ExAC 0.00006; gnomAD 0.00006 and 0.00007; ESP Exome Variant Server 0.00008; TOPMed 0.00008.
gnomAD v4.1: 142 of 1,613,026 alleles (0.0088%); highest among the groups gnomAD compares: Middle Eastern, 0.016%; no homozygotes.

Submissions (7):

Labcorp Genetics (formerly Invitae), Labcorp
Classification: Likely benign for Dilated cardiomyopathy 1G; Autosomal recessive limb-girdle muscular dystrophy type 2J. Last evaluated: 2026-02-04. Review status: criteria provided, single submitter. Criteria: Invitae Variant Classification Sherloc (09022015). Collection method: clinical testing. Allele origin: germline.

PreventionGenetics, part of Exact Sciences
Classification: Likely benign for TTN-related condition. Last evaluated: 2025-10-28. Review status: criteria provided, single submitter. Criteria: ACMG Guidelines, 2015. Collection method: clinical testing. Allele origin: germline.
Comment: This variant is classified as likely benign based on ACMG/AMP sequence variant interpretation guidelines (Richards et al. 2015 PMID: 25741868, with internal and published modifications).

Blueprint Genetics
Classification: Likely benign. Last evaluated: 2024-11-08. Review status: criteria provided, single submitter. Criteria: ACMG Guidelines, 2015. Collection method: clinical testing. Allele origin: germline.

Women's Health and Genetics/Laboratory Corporation of America, LabCorp
Classification: Likely benign. Last evaluated: 2024-02-12. Review status: criteria provided, single submitter. Criteria: LabCorp Variant Classification Summary - May 2015. Collection method: clinical testing. Allele origin: germline.

CeGaT Center for Human Genetics Tuebingen
Classification: Likely benign. Last evaluated: 2023-11-01. Review status: criteria provided, single submitter. Criteria: CeGaT Center For Human Genetics Tuebingen Variant Classification Criteria Version 2. Collection method: clinical testing. Allele origin: germline. Affected: yes. Observed: 1 variant allele.
Comment: TTN: BP4, BP7

Athena Diagnostics
Classification: Likely benign. Last evaluated: 2021-02-17. Review status: criteria provided, single submitter. Criteria: Athena Diagnostics criteria. Collection method: clinical testing. Allele origin: unknown.

GeneDx
Classification: Likely benign. Last evaluated: 2018-02-21. Review status: criteria provided, single submitter. Criteria: GeneDx Variant Classification (06012015). Collection method: clinical testing. Allele origin: germline. Affected: yes.
Comment: This variant is considered likely benign or benign based on one or more of the following criteria: it is a conservative change, it occurs at a poorly conserved position in the protein, it is predicted to be benign by multiple in silico algorithms, and/or has population frequency not consistent with disease.

NM_001267550.2(TTN):c.25296C>T (p.Cys8432=)

Gene: TTN (titin; minus strand). Cytogenetic location: 2q31.2.
Variant type: single nucleotide variant.
Coding change: c.25296C>T on transcript NM_001267550.2 (MANE Select); coding-DNA position 25296, C replaced by T.
Protein change: p.Cys8432=; no amino-acid change (cysteine 8432 retained).
Molecular consequence: synonymous variant. On other transcripts: intron variant (3).
Genome position (GRCh38, 1-based): chr2:178,717,578, G>A on the plus strand (C>T on the coding strand, the complement: TTN is on the minus strand). VCF-style: chr2-178717578-G-A. GRCh37 (hg19) VCF-style: chr2-179582305-G-A.
Other names: c.24345C>T, p.Cys8115= (NM_001256850.1); c.21564C>T, p.Cys7188= (NM_133378.4); c.13282+20504C>T (NM_003319.4); c.13858+20504C>T (NM_133437.4); c.13657+20504C>T (NM_133432.3); c.25296C>T (NM_001267550.1).
Identifiers: ClinVar variation 466946 (VCV000466946.38), dbSNP rs375720439, ClinGen allele CA2000251.